The following is an entry in ClinVar:

NM_001370466.1(NOD2):c.1316C>T (p.Ala439Val)

Gene: NOD2 (nucleotide binding oligomerization domain containing 2; plus strand). Cytogenetic location: 16q12.1.
Variant type: single nucleotide variant.
Coding change: c.1316C>T on transcript NM_001370466.1 (MANE Select); coding-DNA position 1316, C replaced by T.
Protein change: p.Ala439Val; replaces alanine 439 with valine.
Molecular consequence: missense variant. On other transcripts: non-coding transcript variant (1).
Genome position (GRCh38, 1-based): chr16:50,711,308, C>T. VCF-style: chr16-50711308-C-T. GRCh37 (hg19) VCF-style: chr16-50745219-C-T.
Other names: c.1316C>T, p.Ala439Val (NM_001293557.2); c.1397C>T, p.Ala466Val (NM_022162.3); short protein forms A439V, A466V.
Identifiers: ClinVar variation 1694442 (VCV001694442.8), dbSNP rs776802746, ClinGen allele CA8051537.
Genomic context (GRCh38, chr16:50,711,308, plus strand): 5'-GCTTCTCTGAACAGGGCATCGAGCTGTACCTGAGGAAGCGCCATCATGAGCCCGGGGTGG[C>T]GGACCGCCTCATCCGCCTGCTCCAAGAGACCTCAGCCCTGCACGGTTTGTGCCACCTGCC-3'
Protein context (NP_001357395.1, residues 429-449): LRKRHHEPGV[Ala439Val]DRLIRLLQET

ClinVar aggregate classification (germline): Uncertain significance. Review status: criteria provided, multiple submitters, no conflicts (2 of 4 stars). 2 submissions from 2 submitters: Uncertain significance (2). Last evaluated 2025-08-13.

Conditions:
Blau syndrome (BLAUS). Also called: GRANULOMATOSIS, FAMILIAL JUVENILE SYSTEMIC; GRANULOMATOSIS, FAMILIAL, BLAU TYPE; GRANULOMATOUS INFLAMMATORY ARTHRITIS, DERMATITIS, AND UVEITIS, FAMILIAL; JABS SYNDROME; ARTHROCUTANEOUVEAL GRANULOMATOSIS. Identifiers: Orphanet 90340, MedGen C5201146, MONDO:0008523, OMIM 186580.
Regional enteritis. Also called: Enteritis, Granulomatous. Identifiers: MedGen C0678202, MeSH D003424.
Autoinflammatory syndrome. Identifiers: Orphanet 93665, MedGen C3890737, MONDO:0019751.

Allele frequency attached by ClinVar (database versions not stated): ExAC 0.00001; gnomAD 0.00001; gnomAD exomes 0.00001; TOPMed 0.00001.
gnomAD v4.1: 24 of 1,613,492 alleles (0.0015%); highest among the groups gnomAD compares: Middle Eastern, 0.016%; no homozygotes.

Submissions (2):

Labcorp Genetics (formerly Invitae), Labcorp
Classification: Uncertain significance for Regional enteritis; Blau syndrome. Last evaluated: 2025-08-13. Review status: criteria provided, single submitter. Criteria: Invitae Variant Classification Sherloc (09022015). Collection method: clinical testing. Allele origin: germline.
Comment: This sequence change replaces alanine, which is neutral and non-polar, with valine, which is neutral and non-polar, at codon 466 of the NOD2 protein (p.Ala466Val). The frequency data for this variant in the population databases is considered unreliable, as metrics indicate poor data quality at this position in the gnomAD database. This variant has not been reported in the literature in individuals affected with NOD2-related conditions. ClinVar contains an entry for this variant (Variation ID: 1694442). Invitae Evidence Modeling of protein sequence and biophysical properties (such as structural, functional, and spatial information, amino acid conservation, physicochemical variation, residue mobility, and thermodynamic stability) has been performed for this missense variant. However, the output from this modeling did not meet the statistical confidence thresholds required to predict the impact of this variant on NOD2 protein function. In summary, the available evidence is currently insufficient to determine the role of this variant in disease. Therefore, it has been classified as a Variant of Uncertain Significance.

Genome Diagnostics Laboratory, The Hospital for Sick Children
Classification: Uncertain significance for Autoinflammatory syndrome. Last evaluated: 2018-09-01. Review status: criteria provided, single submitter. Criteria: ACMG Guidelines, 2015. Collection method: clinical testing. Allele origin: germline. Affected: yes.